The following is an entry in ClinVar:

ClinVar aggregate classification (germline): Uncertain significance (1 of 4 stars; one submission).

Conditions:
Atypical hemolytic-uremic syndrome. Identifiers: Orphanet 2134, MedGen C2931788, MONDO:0016244.

gnomAD v4.1: 2 of 1,614,088 alleles (0.00012%); highest among the groups gnomAD compares: South Asian, 0.0022%; no homozygotes.

Submission:

Genomenon, Inc
Classification: Uncertain significance for Atypical hemolytic-uremic syndrome. Last evaluated: 2025-10-02. Review status: criteria provided, single submitter. Criteria: Genomenon Sequence Variant Interpretation Standards. Collection method: curation. Allele origin: germline. Affected: yes.
Comment: CD46 p.Trp216Gly (c.646T>G) is a missense variant that changes the amino acid at residue 216 from Tryptophan to Glycine. This variant has been observed in at least one proband affected with atypical hemolytic-uremic syndrome (PMID:25899302). It is absent or not present at a significant frequency in gnomAD. In silico models agree that this variant is possibly or probably damaging. In conclusion, we classify CD46 p.Trp216Gly (c.646T>G) as a variant of uncertain significance.

Literature cited by the submitters: PubMed 25899302.

NM_172351.3(CD46):c.646T>G (p.Trp216Gly)

Gene: CD46 (CD46 molecule; plus strand). Cytogenetic location: 1q32.2.
Variant type: single nucleotide variant.
Coding change: c.646T>G on transcript NM_172351.3 (MANE Select); coding-DNA position 646, T replaced by G.
Protein change: p.Trp216Gly; replaces tryptophan 216 with glycine.
Molecular consequence: missense variant.
Genome position (GRCh38, 1-based): chr1:207,761,419, T>G. VCF-style: chr1-207761419-T-G. GRCh37 (hg19) VCF-style: chr1-207934764-T-G.
Other names: c.646T>G, p.Trp216Gly (NM_002389.4, NM_153826.4, NM_172350.3 and 8 more transcripts); short protein forms W216G.
Identifiers: ClinVar variation 4291168 (VCV004291168.1).